The following is an entry in ClinVar:

ClinVar aggregate classification (germline): Uncertain significance (1 of 4 stars; one submission).

Submission:

Labcorp Genetics (formerly Invitae), Labcorp
Classification: Uncertain significance. Last evaluated: 2021-11-19. Review status: criteria provided, single submitter. Criteria: Invitae Variant Classification Sherloc (09022015). Collection method: clinical testing. Allele origin: germline.
Comment: In summary, the available evidence is currently insufficient to determine the role of this variant in disease. Therefore, it has been classified as a Variant of Uncertain Significance. Advanced modeling of protein sequence and biophysical properties (such as structural, functional, and spatial information, amino acid conservation, physicochemical variation, residue mobility, and thermodynamic stability) performed at Invitae indicates that this missense variant is expected to disrupt FH protein function. This variant has not been reported in the literature in individuals affected with FH-related conditions. This variant is not present in population databases (gnomAD no frequency). This sequence change replaces isoleucine, which is neutral and non-polar, with leucine, which is neutral and non-polar, at codon 120 of the FH protein (p.Ile120Leu).

NM_000143.4(FH):c.358A>C (p.Ile120Leu)

Gene: FH (fumarate hydratase; minus strand). Cytogenetic location: 1q43.
Variant type: single nucleotide variant.
Coding change: c.358A>C on transcript NM_000143.4 (MANE Select); coding-DNA position 358, A replaced by C.
Protein change: p.Ile120Leu; replaces isoleucine 120 with leucine.
Molecular consequence: missense variant.
Genome position (GRCh38, 1-based): chr1:241,513,623, T>G on the plus strand (A>C on the coding strand, the complement: FH is on the minus strand). VCF-style: chr1-241513623-T-G. GRCh37 (hg19) VCF-style: chr1-241676923-T-G.
Other names: short protein forms I120L.
Identifiers: ClinVar variation 1394017 (VCV001394017.6), dbSNP rs199641124, ClinGen allele CA345440524.